The following is an entry in ClinVar:

ClinVar aggregate classification (germline): Uncertain significance (1 of 4 stars; one submission).

Allele frequency attached by ClinVar (database versions not stated): gnomAD exomes below 0.00001; ExAC 0.00001.
gnomAD v4.1: 2 of 1,614,030 alleles (0.00012%); highest among the groups gnomAD compares: East Asian, 0.0022%; no homozygotes.

Submission:

Labcorp Genetics (formerly Invitae), Labcorp
Classification: Uncertain significance. Last evaluated: 2023-11-28. Review status: criteria provided, single submitter. Criteria: Invitae Variant Classification Sherloc (09022015). Collection method: clinical testing. Allele origin: germline.
Comment: This sequence change replaces arginine, which is basic and polar, with glutamine, which is neutral and polar, at codon 1151 of the PRPF8 protein (p.Arg1151Gln). This variant is present in population databases (rs774159266, gnomAD 0.006%). This variant has not been reported in the literature in individuals affected with PRPF8-related conditions. Advanced modeling of protein sequence and biophysical properties (such as structural, functional, and spatial information, amino acid conservation, physicochemical variation, residue mobility, and thermodynamic stability) performed at Invitae indicates that this missense variant is expected to disrupt PRPF8 protein function with a positive predictive value of 80%. In summary, the available evidence is currently insufficient to determine the role of this variant in disease. Therefore, it has been classified as a Variant of Uncertain Significance.

NM_006445.4(PRPF8):c.3452G>A (p.Arg1151Gln)

Gene: PRPF8 (pre-mRNA processing factor 8; minus strand). Cytogenetic location: 17p13.3.
Variant type: single nucleotide variant.
Coding change: c.3452G>A on transcript NM_006445.4 (MANE Select); coding-DNA position 3452, G replaced by A.
Protein change: p.Arg1151Gln; replaces arginine 1151 with glutamine.
Molecular consequence: missense variant.
Genome position (GRCh38, 1-based): chr17:1,673,562, C>T on the plus strand (G>A on the coding strand, the complement: PRPF8 is on the minus strand). VCF-style: chr17-1673562-C-T. GRCh37 (hg19) VCF-style: chr17-1576856-C-T.
Other names: short protein forms R1151Q.
Identifiers: ClinVar variation 2798012 (VCV002798012.3), dbSNP rs774159266, ClinGen allele CA8271865.